The following is an entry in ClinVar:

NM_002519.3(NPAT):c.3626A>G (p.Lys1209Arg)

Gene: NPAT (nuclear protein, coactivator of histone transcription; minus strand). Cytogenetic location: 11q22.3.
Variant type: single nucleotide variant.
Coding change: c.3626A>G on transcript NM_002519.3 (MANE Select); coding-DNA position 3626, A replaced by G.
Protein change: p.Lys1209Arg; replaces lysine 1209 with arginine.
Molecular consequence: missense variant.
Genome position (GRCh38, 1-based): chr11:108,161,460, T>C on the plus strand (A>G on the coding strand, the complement: NPAT is on the minus strand). VCF-style: chr11-108161460-T-C. GRCh37 (hg19) VCF-style: chr11-108032187-T-C.
Other names: c.3647A>G, p.Lys1216Arg (NM_001321307.1); short protein forms K1209R, K1216R.
Identifiers: ClinVar variation 3300682 (VCV003300682.3).

ClinVar aggregate classification (germline): Uncertain significance. Review status: criteria provided, multiple submitters, no conflicts (2 of 4 stars). 2 submissions from 2 submitters: Uncertain significance (2). Last evaluated 2025-05-07.

gnomAD v4.1: 4 of 1,614,256 alleles (0.00025%); highest among the groups gnomAD compares: East Asian, 0.0022%; no homozygotes.

Submissions (2):

Labcorp Genetics (formerly Invitae), Labcorp
Classification: Uncertain significance. Last evaluated: 2025-05-07. Review status: criteria provided, single submitter. Criteria: Invitae Variant Classification Sherloc (09022015). Collection method: clinical testing. Allele origin: germline.
Comment: This sequence change replaces lysine, which is basic and polar, with arginine, which is basic and polar, at codon 1209 of the NPAT protein (p.Lys1209Arg). This variant is present in population databases (rs755840288, gnomAD 0.006%). This variant has not been reported in the literature in individuals affected with NPAT-related conditions. ClinVar contains an entry for this variant (Variation ID: 3300682). An algorithm developed to predict the effect of missense changes on protein structure and function outputs the following: PolyPhen-2: "Benign". The arginine amino acid residue is found in multiple mammalian species, which suggests that this missense change does not adversely affect protein function. In summary, the available evidence is currently insufficient to determine the role of this variant in disease. Therefore, it has been classified as a Variant of Uncertain Significance.

Ambry Genetics
Classification: Uncertain significance. Last evaluated: 2024-05-01. Review status: criteria provided, single submitter. Criteria: Ambry Variant Classification Scheme 2023. Collection method: clinical testing. Allele origin: germline.
Comment: The p.K1209R variant (also known as c.3626A>G), located in coding exon 17 of the NPAT gene, results from an A to G substitution at nucleotide position 3626. The lysine at codon 1209 is replaced by arginine, an amino acid with highly similar properties. This amino acid position is conserved. In addition, this alteration is predicted to be tolerated by in silico analysis. Based on the available evidence, the clinical significance of this variant remains unclear.